The following is an entry in ClinVar:

NM_144997.7(FLCN):c.1433-17C>T

Gene: FLCN (folliculin; minus strand). Cytogenetic location: 17p11.2.
Variant type: single nucleotide variant.
Coding change: c.1433-17C>T on transcript NM_144997.7 (MANE Select); 17 bases into the intron before coding-DNA position 1433, C replaced by T.
Molecular consequence: intron variant.
Genome position (GRCh38, 1-based): chr17:17,215,107, G>A on the plus strand (C>T on the coding strand, the complement: FLCN is on the minus strand). VCF-style: chr17-17215107-G-A. GRCh37 (hg19) VCF-style: chr17-17118421-G-A.
Other names: c.1433-17C>T (NM_001353231.2, NM_001353230.2); c.1487-17C>T (NM_001353229.2).
Identifiers: ClinVar variation 3773122 (VCV003773122.1).

ClinVar aggregate classification (germline): Likely benign (1 of 4 stars; one submission).

Conditions:
Birt-Hogg-Dube syndrome 1 (BHD1). Also called: FIBROFOLLICULOMAS WITH TRICHODISCOMAS AND ACROCHORDONS. Identifiers: Orphanet 122, MedGen CN375946, MONDO:0800445, OMIM 135150.

Submission:

Myriad Genetics, Inc.
Classification: Likely benign for Birt-Hogg-Dube syndrome 1. Last evaluated: 2024-10-25. Review status: criteria provided, single submitter. Criteria: Myriad Autosomal Dominant, Autosomal Recessive and X-Linked Classification Criteria (2023). Collection method: clinical testing. Allele origin: unknown.
Comment: This variant is considered likely benign. This variant is intronic and is not expected to impact mRNA splicing.